The following is an entry in ClinVar:

ClinVar aggregate classification (germline): Uncertain significance (1 of 4 stars; one submission).

Conditions:
Infection-induced acute-onset axonal neuropathy. Identifiers: MedGen C6065907, MONDO:0979881, OMIM 621333.

Submission:

3billion
Classification: Uncertain significance for Infection-induced acute-onset axonal neuropathy. Last evaluated: 2025-12-08. Review status: criteria provided, single submitter. Criteria: ACMG Guidelines, 2015. Collection method: clinical testing. Allele origin: germline. Affected: yes.
Comment: The variant is not observed in the gnomAD v4.1.0 dataset. Predicted Consequence/Location: Missense variant. Missense changes are a common disease-causing mechanism. In silico tool predictions suggest damaging effect of the variant on gene or gene product [REVEL: 0.72 (>=0.6, sensitivity 0.68 and specificity 0.92)]. Therefore, this variant is classified as VUS according to the recommendation of ACMG/AMP guideline.

NM_001381865.2(RCC1):c.1066G>T (p.Val356Leu)

Gene: RCC1 (regulator of chromosome condensation 1; plus strand). Cytogenetic location: 1p35.3.
Variant type: single nucleotide variant.
Coding change: c.1066G>T on transcript NM_001381865.2 (MANE Select); coding-DNA position 1066, G replaced by T.
Protein change: p.Val356Leu; replaces valine 356 with leucine.
Molecular consequence: missense variant.
Genome position (GRCh38, 1-based): chr1:28,536,875, G>T. VCF-style: chr1-28536875-G-T. GRCh37 (hg19) VCF-style: chr1-28863387-G-T.
Other names: c.1159G>T, p.Val387Leu (NM_001048194.4); c.1117G>T, p.Val373Leu (NM_001048195.4); c.1066G>T, p.Val356Leu (NM_001048199.3, NM_001269.6, NM_001381866.2); short protein forms V356L, V373L, V387L.
Identifiers: ClinVar variation 4854808 (VCV004854808.1).
Genomic context (GRCh38, chr1:28,536,875, plus strand): 5'-AGCATACCCACCCTCATCTCCAGGCTGCCTGCTGTCTCCTCGGTGGCTTGTGGGGCCTCT[G>T]TGGGGTATGCTGTGACCAAGGATGGTGAGTGGGGCTGCCTACACTCTGTCTAGTTGGGAC-3'
Protein context (NP_001368794.1, residues 346-366): AVSSVACGAS[Val356Leu]GYAVTKDGRV